The following is an entry in ClinVar:

NM_005845.5(ABCC4):c.3425C>T (p.Thr1142Met)

Gene: ABCC4 (ATP binding cassette subfamily C member 4 (PEL blood group); minus strand). Cytogenetic location: 13q32.1.
Variant type: single nucleotide variant.
Coding change: c.3425C>T on transcript NM_005845.5 (MANE Select); coding-DNA position 3425, C replaced by T.
Protein change: p.Thr1142Met; replaces threonine 1142 with methionine.
Molecular consequence: missense variant.
Genome position (GRCh38, 1-based): chr13:95,053,126, G>A on the plus strand (C>T on the coding strand, the complement: ABCC4 is on the minus strand). VCF-style: chr13-95053126-G-A. GRCh37 (hg19) VCF-style: chr13-95705380-G-A.
Other names: p.Thr1142Met; c.3284C>T, p.Thr1095Met (NM_001301829.2); short protein forms T1095M, T1142M.
Identifiers: ClinVar variation 713177 (VCV000713177.5), dbSNP rs11568644, ClinGen allele CA7018915.

ClinVar aggregate classification (germline): Benign/Likely benign. Review status: criteria provided, multiple submitters, no conflicts (2 of 4 stars). 3 submissions from 3 submitters: Benign (2); Likely benign (1). Last evaluated 2024-02-19.

Allele frequency attached by ClinVar (database versions not stated): 1000 Genomes Project 30x 0.00344; ESP Exome Variant Server 0.00569; gnomAD 0.00522 and 0.00507; gnomAD exomes 0.00663 and 0.00665; ExAC 0.00681; 1000 Genomes Project 0.00319; TOPMed 0.00363.
gnomAD v4.1: 10,424 of 1,613,900 alleles (0.65%); highest among the groups gnomAD compares: South Asian, 1.3%; 59 homozygotes.

Submissions (3):

Mayo Clinic Laboratories, Mayo Clinic
Classification: Likely benign. Last evaluated: 2024-02-19. Review status: criteria provided, single submitter. Criteria: ACMG Guidelines, 2015. Collection method: clinical testing. Allele origin: germline. Observed: 6 variant alleles.
Comment: BS1, BS2_supporting

Labcorp Genetics (formerly Invitae), Labcorp
Classification: Benign. Last evaluated: 2018-07-13. Review status: criteria provided, single submitter. Criteria: Invitae Variant Classification Sherloc (09022015). Collection method: clinical testing. Allele origin: germline.

Breakthrough Genomics
Classification: Benign. Review status: criteria provided, single submitter. Criteria: ACMG Guidelines, 2015. Collection method: not provided. Allele origin: germline. Inheritance: Unknown mechanism. Affected: yes.